The following is an entry in ClinVar:

ClinVar aggregate classification (germline): Uncertain significance. Review status: criteria provided, single submitter (1 of 4 stars). 2 submissions from 2 submitters: Uncertain significance (1). 1 of the submissions does not count toward it. Last evaluated 2022-04-12.

Conditions:
Retinal dystrophy. Also called: Inherited retinal dystrophy. Identifiers: Orphanet 71862, MedGen C0854723, MeSH D058499, MONDO:0019118, HP:0000556.

Submissions (2):

Labcorp Genetics (formerly Invitae), Labcorp
Classification: Uncertain significance. Last evaluated: 2022-04-12. Review status: criteria provided, single submitter. Criteria: Invitae Variant Classification Sherloc (09022015). Collection method: clinical testing. Allele origin: germline.
Comment: In summary, the available evidence is currently insufficient to determine the role of this variant in disease. Therefore, it has been classified as a Variant of Uncertain Significance. Advanced modeling of protein sequence and biophysical properties (such as structural, functional, and spatial information, amino acid conservation, physicochemical variation, residue mobility, and thermodynamic stability) performed at Invitae indicates that this missense variant is expected to disrupt CNGA3 protein function. This variant has not been reported in the literature in individuals affected with CNGA3-related conditions. This variant is not present in population databases (gnomAD no frequency). This sequence change replaces threonine, which is neutral and polar, with asparagine, which is neutral and polar, at codon 364 of the CNGA3 protein (p.Thr364Asn).

Institute of Human Genetics, Univ. Regensburg, Univ. Regensburg
Classification: Likely pathogenic for Retinal dystrophy. Last evaluated: 2020-01-01. Review status: no assertion criteria provided. Criteria: ACMG Guidelines, 2015. Collection method: clinical testing. Allele origin: germline. Affected: yes. Not counted in ClinVar's aggregate classification.

NM_001298.3(CNGA3):c.1091C>A (p.Thr364Asn)

Gene: CNGA3 (cyclic nucleotide gated channel subunit alpha 3; plus strand). Cytogenetic location: 2q11.2.
Variant type: single nucleotide variant.
Coding change: c.1091C>A on transcript NM_001298.3 (MANE Select); coding-DNA position 1091, C replaced by A.
Protein change: p.Thr364Asn; replaces threonine 364 with asparagine.
Molecular consequence: missense variant.
Genome position (GRCh38, 1-based): chr2:98,396,261, C>A. VCF-style: chr2-98396261-C-A. GRCh37 (hg19) VCF-style: chr2-99012724-C-A.
Other names: c.1037C>A, p.Thr346Asn (NM_001079878.2); short protein forms T364N, T346N.
Identifiers: ClinVar variation 2125217 (VCV002125217.3), dbSNP rs1415372391, ClinGen allele CA347832813.